The following is an entry in ClinVar:

NM_003036.4(SKI):c.1851G>A (p.Glu617=)

Gene: SKI (SKI proto-oncogene; plus strand). Cytogenetic location: 1p36.32.
Variant type: single nucleotide variant.
Coding change: c.1851G>A on transcript NM_003036.4 (MANE Select); coding-DNA position 1851, G replaced by A.
Protein change: p.Glu617=; no amino-acid change (glutamic acid 617 retained).
Molecular consequence: synonymous variant.
Genome position (GRCh38, 1-based): chr1:2,306,103, G>A. VCF-style: chr1-2306103-G-A. GRCh37 (hg19) VCF-style: chr1-2237542-G-A.
Identifiers: ClinVar variation 198156 (VCV000198156.48), dbSNP rs146789646, ClinGen allele CA203282.

ClinVar aggregate classification (germline): Benign/Likely benign. Review status: criteria provided, multiple submitters, no conflicts (2 of 4 stars). 6 submissions from 6 submitters: Benign (3); Likely benign (3). Last evaluated 2025-12-19.

Conditions:
Familial thoracic aortic aneurysm and aortic dissection (TAAD). Also called: Thoracic aortic aneurysms and dissections. Identifiers: Orphanet 91387, MedGen C4707243, MONDO:0019625.
Shprintzen-Goldberg syndrome (SGS). Also called: Marfanoid disorder with craniosynostosis type 1; Marfanoid craniosynostosis syndrome; Shprintzen-Goldberg marfanoid syndrome; SHPRINTZEN-GOLDBERG CRANIOSYNOSTOSIS SYNDROME; CRANIOSYNOSTOSIS WITH ARACHNODACTYLY AND ABDOMINAL HERNIAS. Identifiers: Orphanet 2462, MedGen C1321551, MONDO:0008426, OMIM 182212.

Allele frequency attached by ClinVar (database versions not stated): TOPMed 0.00080; gnomAD 0.00083 and 0.00091; ESP Exome Variant Server 0.00085; 1000 Genomes Project 0.00120; 1000 Genomes Project 30x 0.00141.
gnomAD v4.1: 229 of 1,600,152 alleles (0.014%); highest among the groups gnomAD compares: African/African-American, 0.29%; 1 homozygote.

Submissions (6):

Labcorp Genetics (formerly Invitae), Labcorp
Classification: Benign for Shprintzen-Goldberg syndrome. Last evaluated: 2025-12-19. Review status: criteria provided, single submitter. Criteria: Invitae Variant Classification Sherloc (09022015). Collection method: clinical testing. Allele origin: germline.

Women's Health and Genetics/Laboratory Corporation of America, LabCorp
Classification: Benign. Last evaluated: 2023-08-11. Review status: criteria provided, single submitter. Criteria: LabCorp Variant Classification Summary - May 2015. Collection method: clinical testing. Allele origin: germline.

CeGaT Center for Human Genetics Tuebingen
Classification: Likely benign. Last evaluated: 2022-11-01. Review status: criteria provided, single submitter. Criteria: CeGaT Center For Human Genetics Tuebingen Variant Classification Criteria Version 2. Collection method: clinical testing. Allele origin: germline. Affected: yes. Observed: 1 variant allele.
Comment: SKI: BP4, BS1

GeneDx
Classification: Likely benign. Last evaluated: 2021-09-22. Review status: criteria provided, single submitter. Criteria: GeneDx Variant Classification Process June 2021. Collection method: clinical testing. Allele origin: germline. Affected: yes.

Ambry Genetics
Classification: Likely benign for Familial thoracic aortic aneurysm and aortic dissection. Last evaluated: 2018-07-18. Review status: criteria provided, single submitter. Criteria: Ambry Variant Classification Scheme 2023. Collection method: clinical testing. Allele origin: germline.

Eurofins Ntd Llc (ga)
Classification: Benign. Last evaluated: 2015-04-02. Review status: criteria provided, single submitter. Criteria: EGL Classification Definitions 2015. Collection method: clinical testing. Allele origin: germline. Observed: 1 variant allele, 1 heterozygote.